The following is an entry in ClinVar:

NM_004130.4(GYG1):c.203A>G (p.Asp68Gly)

Gene: GYG1 (glycogenin 1; plus strand). Cytogenetic location: 3q24.
Variant type: single nucleotide variant.
Coding change: c.203A>G on transcript NM_004130.4 (MANE Select); coding-DNA position 203, A replaced by G.
Protein change: p.Asp68Gly; replaces aspartic acid 68 with glycine.
Molecular consequence: missense variant.
Genome position (GRCh38, 1-based): chr3:148,996,361, A>G. VCF-style: chr3-148996361-A-G. GRCh37 (hg19) VCF-style: chr3-148714148-A-G.
Other names: c.203A>G, p.Asp68Gly (NM_001184720.2, NM_001184721.2); short protein forms D68G.
Identifiers: ClinVar variation 1521178 (VCV001521178.3), dbSNP rs1712787449, ClinGen allele CA354911412.

ClinVar aggregate classification (germline): Uncertain significance (1 of 4 stars; one submission).

Conditions:
Glycogen storage disease XV (GSD15). Also called: GLYCOGENIN DEFICIENCY; GSD XV. Identifiers: Orphanet 263297, MedGen C3150754, MONDO:0013291, OMIM 613507.
Polyglucosan body myopathy type 2. Identifiers: Orphanet 456369, MedGen C4015452, MONDO:0014526, OMIM 616199.

gnomAD v4.1: 4 of 1,612,208 alleles (0.00025%); no homozygotes.

Submission:

Labcorp Genetics (formerly Invitae), Labcorp
Classification: Uncertain significance for Polyglucosan body myopathy type 2; Glycogen storage disease XV. Last evaluated: 2022-11-01. Review status: criteria provided, single submitter. Criteria: Invitae Variant Classification Sherloc (09022015). Collection method: clinical testing. Allele origin: germline.
Comment: This sequence change replaces aspartic acid, which is acidic and polar, with glycine, which is neutral and non-polar, at codon 68 of the GYG1 protein (p.Asp68Gly). This variant is not present in population databases (gnomAD no frequency). This variant has not been reported in the literature in individuals affected with GYG1-related conditions. ClinVar contains an entry for this variant (Variation ID: 1521178). Advanced modeling of protein sequence and biophysical properties (such as structural, functional, and spatial information, amino acid conservation, physicochemical variation, residue mobility, and thermodynamic stability) performed at Invitae indicates that this missense variant is not expected to disrupt GYG1 protein function. In summary, the available evidence is currently insufficient to determine the role of this variant in disease. Therefore, it has been classified as a Variant of Uncertain Significance.